The following is an entry in ClinVar:

NM_000350.3(ABCA4):c.1453G>A (p.Gly485Ser)

Gene: ABCA4 (ATP binding cassette subfamily A member 4; minus strand). Cytogenetic location: 1p22.1.
Variant type: single nucleotide variant.
Coding change: c.1453G>A on transcript NM_000350.3 (MANE Select); coding-DNA position 1453, G replaced by A.
Protein change: p.Gly485Ser; replaces glycine 485 with serine.
Molecular consequence: missense variant.
Genome position (GRCh38, 1-based): chr1:94,077,791, C>T on the plus strand (G>A on the coding strand, the complement: ABCA4 is on the minus strand). VCF-style: chr1-94077791-C-T. GRCh37 (hg19) VCF-style: chr1-94543347-C-T.
Other names: c.1453G>A, p.Gly485Ser (NM_001425324.1); short protein forms G485S.
Identifiers: ClinVar variation 1364765 (VCV001364765.6), dbSNP rs142362763, ClinGen allele CA26866893.

ClinVar aggregate classification (germline): Uncertain significance (1 of 4 stars; one submission).

Allele frequency attached by ClinVar (database versions not stated): gnomAD exomes below 0.00001; TOPMed below 0.00001; ESP Exome Variant Server 0.00008.
gnomAD v4.1: 1 of 1,614,152 alleles (0.000062%); highest among the groups gnomAD compares: Non-Finnish European, 0.000085%; no homozygotes.

Submission:

Labcorp Genetics (formerly Invitae), Labcorp
Classification: Uncertain significance. Last evaluated: 2024-09-16. Review status: criteria provided, single submitter. Criteria: Invitae Variant Classification Sherloc (09022015). Collection method: clinical testing. Allele origin: germline.
Comment: This sequence change replaces glycine, which is neutral and non-polar, with serine, which is neutral and polar, at codon 485 of the ABCA4 protein (p.Gly485Ser). This variant is not present in population databases (gnomAD no frequency). This variant has not been reported in the literature in individuals affected with ABCA4-related conditions. ClinVar contains an entry for this variant (Variation ID: 1364765). Invitae Evidence Modeling of protein sequence and biophysical properties (such as structural, functional, and spatial information, amino acid conservation, physicochemical variation, residue mobility, and thermodynamic stability) has been performed for this missense variant. However, the output from this modeling did not meet the statistical confidence thresholds required to predict the impact of this variant on ABCA4 protein function. In summary, the available evidence is currently insufficient to determine the role of this variant in disease. Therefore, it has been classified as a Variant of Uncertain Significance.